The following is an entry in ClinVar:

NM_003737.4(DCHS1):c.4999T>C (p.Ser1667Pro)

Gene: DCHS1 (dachsous cadherin-related 1; minus strand). Cytogenetic location: 11p15.4.
Variant type: single nucleotide variant.
Coding change: c.4999T>C on transcript NM_003737.4 (MANE Select); coding-DNA position 4999, T replaced by C.
Protein change: p.Ser1667Pro; replaces serine 1667 with proline.
Molecular consequence: missense variant.
Genome position (GRCh38, 1-based): chr11:6,629,708, A>G on the plus strand (T>C on the coding strand, the complement: DCHS1 is on the minus strand). VCF-style: chr11-6629708-A-G. GRCh37 (hg19) VCF-style: chr11-6650939-A-G.
Other names: short protein forms S1667P.
Identifiers: ClinVar variation 3708569 (VCV003708569.2).

ClinVar aggregate classification (germline): Uncertain significance (1 of 4 stars; one submission).

gnomAD v4.1: 18 of 1,613,646 alleles (0.0011%); highest among the groups gnomAD compares: African/African-American, 0.0013%; no homozygotes.

Submission:

Labcorp Genetics (formerly Invitae), Labcorp
Classification: Uncertain significance. Last evaluated: 2024-05-28. Review status: criteria provided, single submitter. Criteria: Invitae Variant Classification Sherloc (09022015). Collection method: clinical testing. Allele origin: germline.
Comment: This sequence change replaces serine, which is neutral and polar, with proline, which is neutral and non-polar, at codon 1667 of the DCHS1 protein (p.Ser1667Pro). This variant is present in population databases (rs753533619, gnomAD 0.002%). This variant has not been reported in the literature in individuals affected with DCHS1-related conditions. Advanced modeling of protein sequence and biophysical properties (such as structural, functional, and spatial information, amino acid conservation, physicochemical variation, residue mobility, and thermodynamic stability) performed at Invitae indicates that this missense variant is not expected to disrupt DCHS1 protein function with a negative predictive value of 80%. In summary, the available evidence is currently insufficient to determine the role of this variant in disease. Therefore, it has been classified as a Variant of Uncertain Significance.